The following is an entry in ClinVar:

ClinVar aggregate classification (germline): Pathogenic (1 of 4 stars; one submission).

Conditions:
Microcephaly-intellectual disability-sensorineural hearing loss-epilepsy-abnormal muscle tone syndrome (NEDHSB). Also called: NEURODEVELOPMENTAL DISORDER WITH HEARING LOSS, SEIZURES, AND BRAIN ABNORMALITIES. Identifiers: Orphanet 457351, MedGen C4225276, MONDO:0014698, OMIM 616577.

Submission:

Labcorp Genetics (formerly Invitae), Labcorp
Classification: Pathogenic for Microcephaly-intellectual disability-sensorineural hearing loss-epilepsy-abnormal muscle tone syndrome. Last evaluated: 2021-12-24. Review status: criteria provided, single submitter. Criteria: Invitae Variant Classification Sherloc (09022015). Collection method: clinical testing. Allele origin: germline.
Comment: For these reasons, this variant has been classified as Pathogenic. This variant has not been reported in the literature in individuals affected with SPATA5-related conditions. This variant is not present in population databases (gnomAD no frequency). This sequence change creates a premature translational stop signal (p.Lys4*) in the SPATA5 gene. It is expected to result in an absent or disrupted protein product. Loss-of-function variants in SPATA5 are known to be pathogenic (PMID: 26299366).

Literature cited by the submitters: PubMed 26299366.

NM_145207.3(AFG2A):c.10A>T (p.Lys4Ter)

Gene: AFG2A (AAA ATPase AFG2A; plus strand). Cytogenetic location: 4q28.1.
Variant type: single nucleotide variant.
Coding change: c.10A>T on transcript NM_145207.3 (MANE Select); coding-DNA position 10, A replaced by T.
Protein change: p.Lys4Ter; replaces lysine 4 with a stop codon.
Molecular consequence: nonsense.
Genome position (GRCh38, 1-based): chr4:122,923,152, A>T. VCF-style: chr4-122923152-A-T. GRCh37 (hg19) VCF-style: chr4-123844307-A-T.
Other names: c.10A>T, p.Lys4Ter (NM_001317799.2, NM_001345856.2); short protein forms K4*.
Identifiers: ClinVar variation 2056929 (VCV002056929.3), dbSNP rs2476735540, ClinGen allele CA358096890.